The following is an entry in ClinVar:

ClinVar aggregate classification (germline): Pathogenic (1 of 4 stars; one submission).

Conditions:
Combined immunodeficiency due to LRBA deficiency. Also called: Common variable immunodeficiency 8, with autoimmunity. Identifiers: Orphanet 445018, MedGen C3553512, MONDO:0013863, OMIM 614700.

Submission:

Labcorp Genetics (formerly Invitae), Labcorp
Classification: Pathogenic for Combined immunodeficiency due to LRBA deficiency. Last evaluated: 2019-10-30. Review status: criteria provided, single submitter. Criteria: Invitae Variant Classification Sherloc (09022015). Collection method: clinical testing. Allele origin: germline.
Comment: For these reasons, this variant has been classified as Pathogenic. This sequence change creates a premature translational stop signal (p.Asn988Metfs*8) in the LRBA gene. It is expected to result in an absent or disrupted protein product. This variant is not present in population databases (ExAC no frequency). This variant has not been reported in the literature in individuals with LRBA-related conditions. Loss-of-function variants in LRBA are known to be pathogenic (PMID: 26206937, 26768763).

Literature cited by the submitters: PubMed 26206937; PubMed 26768763.

NM_001364905.1(LRBA):c.2963del (p.Asn988fs)

Gene: LRBA (LPS responsive beige-like anchor protein; minus strand). Cytogenetic location: 4q31.3.
Variant type: Deletion.
Coding change: c.2963del on transcript NM_001364905.1 (MANE Select); coding-DNA position 2963, one base deleted (A; older notation c.2963delA).
Protein change: p.Asn988fs; shifts the reading frame from asparagine 988.
Molecular consequence: frameshift variant.
Genome position (GRCh38, 1-based): chr4:150,852,747, T deleted on the plus strand (A on the coding strand, the reverse complement: LRBA is on the minus strand); the first of 3 consecutive T bases (chr4:150,852,747-150,852,749); deleting any one gives the same sequence. VCF-style (leftmost placement, unchanged base first): chr4-150852746-AT-A. GRCh37 (hg19) VCF-style: chr4-151773898-AT-A.
Other names: c.2961delA, p.Asn988Metfs (NM_001199282.3, NM_006726.5); c.2963del, p.Asn988fs (NM_001367550.1); short protein forms N988fs.
Identifiers: ClinVar variation 864696 (VCV000864696.9), dbSNP rs1750760771, ClinGen allele CA916082661.